The following is an entry in ClinVar:

NM_176824.3(BBS7):c.280A>T (p.Thr94Ser)

Gene: BBS7 (Bardet-Biedl syndrome 7; minus strand). Cytogenetic location: 4q27.
Variant type: single nucleotide variant.
Coding change: c.280A>T on transcript NM_176824.3 (MANE Select); coding-DNA position 280, A replaced by T.
Protein change: p.Thr94Ser; replaces threonine 94 with serine.
Molecular consequence: missense variant.
Genome position (GRCh38, 1-based): chr4:121,861,565, T>A on the plus strand (A>T on the coding strand, the complement: BBS7 is on the minus strand). VCF-style: chr4-121861565-T-A. GRCh37 (hg19) VCF-style: chr4-122782720-T-A.
Other names: c.280A>T, p.Thr94Ser (NM_018190.4); short protein forms T94S.
Identifiers: ClinVar variation 166739 (VCV000166739.54), dbSNP rs202102193, ClinGen allele CA233523.

ClinVar aggregate classification (germline): Conflicting classifications of pathogenicity. Review status: criteria provided, conflicting classifications (1 of 4 stars). 4 submissions from 4 submitters: Uncertain significance (1); Likely benign (3). Last evaluated 2026-02-02.

Conditions:
Bardet-Biedl syndrome (BBS). Identifiers: Orphanet 110, MedGen C0752166, MONDO:0015229.
Bardet-Biedl syndrome 7 (BBS7). Identifiers: Orphanet 110, MedGen C1859565, MONDO:0014435, OMIM 615984.

Allele frequency attached by ClinVar (database versions not stated): gnomAD 0.00021 and 0.00016; TOPMed 0.00015; 1000 Genomes Project 0.00200; 1000 Genomes Project 30x 0.00203; gnomAD exomes 0.00008 and 0.00054; ExAC 0.00043.
gnomAD v4.1: 160 of 1,613,884 alleles (0.0099%); highest among the groups gnomAD compares: East Asian, 0.33%; no homozygotes.

Submissions (4):

Labcorp Genetics (formerly Invitae), Labcorp
Classification: Likely benign for Bardet-Biedl syndrome. Last evaluated: 2026-02-02. Review status: criteria provided, single submitter. Criteria: Invitae Variant Classification Sherloc (09022015). Collection method: clinical testing. Allele origin: germline.

Blueprint Genetics
Classification: Likely benign. Last evaluated: 2024-11-14. Review status: criteria provided, single submitter. Criteria: ACMG Guidelines, 2015. Collection method: clinical testing. Allele origin: germline.

Illumina Laboratory Services, Illumina
Classification: Likely benign for Bardet-Biedl syndrome 7. Last evaluated: 2018-01-12. Review status: criteria provided, single submitter. Criteria: ICSL Variant Classification Criteria 13 December 2019. Collection method: clinical testing. Allele origin: germline.
Comment: This variant was observed in the ICSL laboratory as part of a predisposition screen in an ostensibly healthy population. It had not been previously curated by ICSL or reported in the Human Gene Mutation Database (HGMD: prior to June 1st, 2018), and was therefore a candidate for classification through an automated scoring system. Utilizing variant allele frequency, disease prevalence and penetrance estimates, and inheritance mode, an automated score was calculated to assess if this variant is too frequent to cause the disease. Based on the score and internal cut-off values, a variant classified as likely benign is not then subjected to further curation. The score for this variant resulted in a classification of likely benign for this disease.

Eurofins Ntd Llc (ga)
Classification: Uncertain significance. Last evaluated: 2014-04-01. Review status: criteria provided, single submitter. Criteria: EGL Classification Definitions 2015. Collection method: clinical testing. Allele origin: germline. Observed: 1 variant allele, 1 heterozygote.